The following is an entry in ClinVar:

NM_002834.5(PTPN11):c.1506A>G (p.Ser502=)

Gene: PTPN11 (protein tyrosine phosphatase non-receptor type 11; plus strand). Cytogenetic location: 12q24.13.
Variant type: single nucleotide variant.
Coding change: c.1506A>G on transcript NM_002834.5 (MANE Select); coding-DNA position 1506, A replaced by G.
Protein change: p.Ser502=; no amino-acid change (serine 502 retained).
Molecular consequence: synonymous variant.
Genome position (GRCh38, 1-based): chr12:112,489,082, A>G. VCF-style: chr12-112489082-A-G. GRCh37 (hg19) VCF-style: chr12-112926886-A-G.
Other names: c.1518A>G, p.Ser506= (NM_001330437.2); c.1503A>G, p.Ser501= (NM_001374625.1).
Identifiers: ClinVar variation 2627244 (VCV002627244.2), dbSNP rs2540465698, ClinGen allele CA481882231.
Genomic context (GRCh38, chr12:112,489,082, plus strand): 5'-AGGTGTTGACTGCGATATTGACGTTCCCAAAACCATCCAGATGGTGCGGTCTCAGAGGTC[A>G]GGGATGGTCCAGACAGAAGCACAGTACCGATTTATCTATATGGCGGTCCAGCATTATATT-3'
Protein context (NP_002825.3, residues 492-512): KTIQMVRSQR[Ser502=]GMVQTEAQYR

ClinVar aggregate classification (germline): Likely benign. Review status: criteria provided, multiple submitters, no conflicts (2 of 4 stars). 2 submissions from 2 submitters: Likely benign (2). Last evaluated 2025-03-05.

Conditions:
Cardiovascular phenotype. Identifiers: MedGen CN230736.

Submissions (2):

Ambry Genetics
Classification: Likely benign for Cardiovascular phenotype. Last evaluated: 2025-03-05. Review status: criteria provided, single submitter. Criteria: Ambry Variant Classification Scheme 2023. Collection method: clinical testing. Allele origin: germline.

Women's Health and Genetics/Laboratory Corporation of America, LabCorp
Classification: Likely benign. Last evaluated: 2023-09-15. Review status: criteria provided, single submitter. Criteria: LabCorp Variant Classification Summary - May 2015. Collection method: clinical testing. Allele origin: germline.
Comment: Variant summary: PTPN11 c.1506A>G alters a non-conserved nucleotide resulting in a synonymous change. Consensus agreement among computation tools predict no significant impact on normal splicing. However, these predictions have yet to be confirmed by functional studies. The variant was absent in 251492 control chromosomes. The available data on variant occurrences in the general population are insufficient to allow any conclusion about variant significance. To our knowledge, no occurrence of c.1506A>G in individuals affected with Noonan Syndrome/Leopard Syndrome and no experimental evidence demonstrating its impact on protein function have been reported. No submitters have cited clinical-significance assessments for this variant to ClinVar after 2014. Based on the evidence outlined above, the variant was classified as likely benign.